The following is an entry in ClinVar:

ClinVar aggregate classification (germline): Pathogenic/Likely pathogenic. Review status: criteria provided, multiple submitters, no conflicts (2 of 4 stars). 5 submissions from 5 submitters: Pathogenic (3); Likely pathogenic (2). Last evaluated 2024-05-10.

Conditions:
Ataxia-telangiectasia syndrome (AT). Also called: Ataxia-telangiectasia; LOUIS-BAR SYNDROME; Ataxia-telangiectasia, complementation group D; AT, COMPLEMENTATION GROUP C; ATAXIA-TELANGIECTASIA, COMPLEMENTATION GROUP A; ATAXIA-TELANGIECTASIA, FRESNO VARIANT. Identifiers: Orphanet 100, MedGen C0004135, MONDO:0008840, OMIM 208900.
Hereditary cancer-predisposing syndrome. Also called: Tumor predisposition; Neoplastic Syndromes, Hereditary; Hereditary Cancer Syndrome; Hereditary neoplastic syndrome. Identifiers: Orphanet 140162, MedGen C0027672, MeSH D009386, MONDO:0015356.
Familial cancer of breast. Also called: BREAST CANCER, FAMILIAL; Hereditary breast cancer; hereditary breast carcinoma. Identifiers: Orphanet 227535, MedGen C0346153, MONDO:0016419, OMIM 114480. Disease mechanism: loss of function.

Submissions (5):

Labcorp Genetics (formerly Invitae), Labcorp
Classification: Pathogenic for Ataxia-telangiectasia syndrome. Last evaluated: 2024-05-10. Review status: criteria provided, single submitter. Criteria: Invitae Variant Classification Sherloc (09022015). Collection method: clinical testing. Allele origin: germline.
Comment: This sequence change creates a premature translational stop signal (p.Gln3014*) in the ATM gene. While this is not anticipated to result in nonsense mediated decay, it is expected to disrupt the last 43 amino acid(s) of the ATM protein. This variant is not present in population databases (gnomAD no frequency). This premature translational stop signal has been observed in individual(s) with pancreatic cancer (PMID: 29922827). ClinVar contains an entry for this variant (Variation ID: 1332470). Algorithms developed to predict the effect of sequence changes on RNA splicing suggest that this variant may disrupt the consensus splice site. This variant disrupts a region of the ATM protein in which other variant(s) (p.Lys3018Serfs*46) have been determined to be pathogenic (Invitae). This suggests that this is a clinically significant region of the protein, and that variants that disrupt it are likely to be disease-causing. For these reasons, this variant has been classified as Pathogenic.

Baylor Genetics
Classification: Likely pathogenic for Familial cancer of breast. Last evaluated: 2024-02-20. Review status: criteria provided, single submitter. Criteria: ACMG Guidelines, 2015. Collection method: clinical testing. Allele origin: unknown.

Myriad Genetics, Inc.
Classification: Pathogenic for Familial cancer of breast. Last evaluated: 2024-02-12. Review status: criteria provided, single submitter. Criteria: Myriad Autosomal Dominant, Autosomal Recessive and X-Linked Classification Criteria (2023). Collection method: clinical testing. Allele origin: unknown.
Comment: This variant is considered pathogenic. This variant creates a termination codon and is predicted to result in premature protein truncation.

Color Diagnostics, LLC DBA Color Health
Classification: Likely pathogenic for Hereditary cancer-predisposing syndrome. Last evaluated: 2021-03-12. Review status: criteria provided, single submitter. Criteria: ACMG Guidelines, 2015. Collection method: clinical testing. Allele origin: germline.
Comment: This variant changes 1 nucleotide in exon 63 of the ATM gene, creating a premature translation stop signal in the last coding exon. While this mutant transcript is predicted to escape the nonsense-mediated decay and be expressed as a truncated protein, this C-terminally truncated protein is expected to disrupt the FATC domain and affect normal ATM protein function (PMID: 19779456). This variant has been reported in an individual affected with prostate cancer (PMID: 32190957). This variant has not been identified in the general population by the Genome Aggregation Database (gnomAD). Loss of ATM function is a known mechanism of disease. Based on the available evidence, this variant is classified as Likely Pathogenic.

Juno Genomics, Hangzhou Juno Genomics, Inc
Classification: Pathogenic for Familial cancer of breast. Review status: criteria provided, single submitter. Criteria: ACMG Guidelines, 2015. Collection method: clinical testing. Allele origin: germline.
Comment: Absent from controls (or at extremely low frequency if recessive) in Genome Aggregation Database.;Null variant in a gene where loss of function (LOF) is a known mechanism of disease.;Novel missense change at an amino acid residue where a different missense change determined to be pathogenic has been seen before.

Literature cited by the submitters: PubMed 29922827 (cited by Labcorp Genetics (formerly Invitae), Labcorp).

NM_000051.4(ATM):c.9040C>T (p.Gln3014Ter)

Genes: ATM (ATM serine/threonine kinase; plus strand), C11orf65 (chromosome 11 open reading frame 65; minus strand). Cytogenetic location: 11q22.3.
Variant type: single nucleotide variant.
Coding change: c.9040C>T on transcript NM_000051.4 (MANE Select); coding-DNA position 9040, C replaced by T.
Protein change: p.Gln3014Ter; replaces glutamine 3014 with a stop codon.
Molecular consequence: nonsense. On other transcripts: intron variant (2).
Genome position (GRCh38, 1-based): chr11:108,365,377, C>T. VCF-style: chr11-108365377-C-T. GRCh37 (hg19) VCF-style: chr11-108236104-C-T.
Other names: c.9040C>T, p.Gln3014Ter (NM_001351834.2); c.640+20543G>A (NM_001330368.2); c.694+20543G>A (NM_001351110.2); short protein forms Q3014*.
Identifiers: ClinVar variation 1332470 (VCV001332470.13), dbSNP rs2137911487, ClinGen allele CA382531327.